The following is an entry in ClinVar:

NM_005477.3(HCN4):c.2648C>G (p.Pro883Arg)

Gene: HCN4 (hyperpolarization activated cyclic nucleotide gated potassium channel 4; minus strand). Cytogenetic location: 15q24.1.
Variant type: single nucleotide variant.
Coding change: c.2648C>G on transcript NM_005477.3 (MANE Select); coding-DNA position 2648, C replaced by G.
Protein change: p.Pro883Arg; replaces proline 883 with arginine.
Molecular consequence: missense variant.
Genome position (GRCh38, 1-based): chr15:73,323,445, G>C on the plus strand (C>G on the coding strand, the complement: HCN4 is on the minus strand). VCF-style: chr15-73323445-G-C. GRCh37 (hg19) VCF-style: chr15-73615786-G-C.
Other names: p.P883R:CCC>CGC; p.Pro883Arg; short protein forms P883R.
Identifiers: ClinVar variation 137542 (VCV000137542.67), dbSNP rs148398509, ClinGen allele CA163178.

ClinVar aggregate classification (germline): Benign/Likely benign. Review status: criteria provided, multiple submitters, no conflicts (2 of 4 stars). 23 submissions from 21 submitters: Benign (13); Likely benign (6). 4 of the submissions do not count toward it. Last evaluated 2026-02-04.

Conditions:
Hypertrophic cardiomyopathy. Also called: HYPERTROPHIC MYOCARDIOPATHY. Identifiers: Orphanet 217569, MedGen C0007194, MeSH D002312, MONDO:0005045, HP:0001639.
Cardiomyopathy (CMYO). Also called: Cardiomyopathies. Identifiers: Orphanet 167848, MedGen C0878544, MONDO:0004994, HP:0001638. Inheritance: Various modes of inheritance.
Atrial fibrillation. Identifiers: MedGen C0004238, MONDO:0004981, HP:0005110.
Ventricular tachycardia. Identifiers: MedGen C0042514, MONDO:0005477, HP:0004756.
Cardiovascular phenotype. Identifiers: MedGen CN230736.
Left ventricular noncompaction. Identifiers: Orphanet 54260, MedGen C1960469, MONDO:0018901, HP:0030682.
Sick sinus syndrome 2, autosomal dominant (SSS2). Also called: SINUS BRADYCARDIA SYNDROME, FAMILIAL, AUTOSOMAL DOMINANT; SINUS NODE DISEASE, FAMILIAL, AUTOSOMAL DOMINANT; ATRIAL FIBRILLATION WITH BRADYARRHYTHMIA; SICK SINUS SYNDROME 2; SICK SINUS SYNDROME 2 WITH OR WITHOUT CARDIAC NONCOMPACTION AND/OR ASCENDING AORTA DILATION. Identifiers: Orphanet 166282, MedGen C1834144, MONDO:0008102, OMIM 163800.
Brugada syndrome 8 (BRGDA8). Identifiers: Orphanet 130, MedGen C2751083, MONDO:0013148, OMIM 613123.

Allele frequency attached by ClinVar (database versions not stated): 1000 Genomes Project 0.00339; 1000 Genomes Project 30x 0.00359; gnomAD 0.00732 and 0.00737; TOPMed 0.00752; gnomAD exomes 0.00775; ExAC 0.00877; ESP Exome Variant Server 0.00976.
gnomAD v4.1: 19,219 of 1,609,494 alleles (1.2%); highest among the groups gnomAD compares: Non-Finnish European, 1.5%; 149 homozygotes.

Submissions (23):

Labcorp Genetics (formerly Invitae), Labcorp
Classification: Benign for Brugada syndrome 8. Last evaluated: 2026-02-04. Review status: criteria provided, single submitter. Criteria: Invitae Variant Classification Sherloc (09022015). Collection method: clinical testing. Allele origin: germline.

CeGaT Center for Human Genetics Tuebingen
Classification: Benign. Last evaluated: 2026-01-01. Review status: criteria provided, single submitter. Criteria: CeGaT Center For Human Genetics Tuebingen Variant Classification Criteria Version 2. Collection method: clinical testing. Allele origin: germline. Affected: yes. Observed: 6 variant alleles.
Comment: HCN4: BS1, BS2

ARUP Laboratories, Molecular Genetics and Genomics, ARUP Laboratories
Classification: Benign. Last evaluated: 2025-07-28. Review status: criteria provided, single submitter. Criteria: ARUP Molecular Germline Variant Investigation Process 2024. Collection method: clinical testing. Allele origin: germline.

Molecular Diagnostic Laboratory for Inherited Cardiovascular Disease, Montreal Heart Institute
Classification: Likely benign. Last evaluated: 2025-04-09. Review status: criteria provided, single submitter. Criteria: ACMG Guidelines, 2015. Collection method: clinical testing. Allele origin: germline. Affected: no.

Blueprint Genetics
Classification: Likely benign. Last evaluated: 2024-11-27. Review status: criteria provided, single submitter. Criteria: ACMG Guidelines, 2015. Collection method: clinical testing. Allele origin: germline.

Athena Diagnostics
Classification: Likely benign. Last evaluated: 2024-10-07. Review status: criteria provided, single submitter. Criteria: Athena Diagnostics Criteria. Collection method: clinical testing. Allele origin: unknown.

Mayo Clinic Laboratories, Mayo Clinic
Classification: Benign. Last evaluated: 2023-05-24. Review status: criteria provided, single submitter. Criteria: ACMG Guidelines, 2015. Collection method: clinical testing. Allele origin: germline. Observed: 16 variant alleles.
Comment: BS1, BS2, BP4

Women's Health and Genetics/Laboratory Corporation of America, LabCorp
Classification: Likely benign. Last evaluated: 2023-04-10. Review status: criteria provided, single submitter. Criteria: LabCorp Variant Classification Summary - May 2015. Collection method: clinical testing. Allele origin: germline.

Mendelics
Classification: Benign for Brugada syndrome 8. Last evaluated: 2019-05-28. Review status: criteria provided, single submitter. Criteria: Mendelics Assertion Criteria 2017. Collection method: clinical testing. Allele origin: unknown.

Center for Advanced Laboratory Medicine, UC San Diego Health, University of California San Diego
Classification: Benign for Atrial fibrillation; Hypertrophic cardiomyopathy; Cardiomyopathy; Ventricular tachycardia. Last evaluated: 2019-04-17. Review status: criteria provided, single submitter. Criteria: ACMG Guidelines, 2015. Collection method: clinical testing. Allele origin: germline. Affected: yes. Observed: 6 variant alleles.

GeneDx
Classification: Benign. Last evaluated: 2018-11-20. Review status: criteria provided, single submitter. Criteria: GeneDx Variant Classification Process June 2021. Collection method: clinical testing. Allele origin: germline. Affected: yes.
Comment: This variant is associated with the following publications: (PMID: 27173043, 28104484, 25145519, 25145518, 28254189, 27659478, 28182231, 31481236)

Phosphorus, Inc.
Classification: Benign for Brugada syndrome 8. Last evaluated: 2017-08-01. Review status: criteria provided, single submitter. Criteria: ACMG Guidelines, 2015. Collection method: clinical testing. Allele origin: germline. Observed: 1 variant allele.

Phosphorus, Inc.
Classification: Benign for Left ventricular noncompaction. Last evaluated: 2017-08-01. Review status: criteria provided, single submitter. Criteria: ACMG Guidelines, 2015. Collection method: clinical testing. Allele origin: germline. Observed: 1 variant allele.

Phosphorus, Inc.
Classification: Benign for Sick sinus syndrome 2, autosomal dominant. Last evaluated: 2017-08-01. Review status: criteria provided, single submitter. Criteria: ACMG Guidelines, 2015. Collection method: clinical testing. Allele origin: germline. Observed: 1 variant allele.

Illumina Laboratory Services, Illumina
Classification: Likely benign for Sick sinus syndrome 2, autosomal dominant. Last evaluated: 2017-04-28. Review status: criteria provided, single submitter. Criteria: ICSL Variant Classification Criteria 13 December 2019. Collection method: clinical testing. Allele origin: germline.
Comment: This variant was observed as part of a predisposition screen in an ostensibly healthy population. A literature search was performed for the gene, cDNA change, and amino acid change (where applicable). Publications were found based on this search. The evidence from the literature, in combination with allele frequency data from public databases where available, was sufficient to determine this variant is unlikely to cause disease. Therefore, this variant is classified as likely benign.

Eurofins Ntd Llc (ga)
Classification: Benign. Last evaluated: 2016-05-24. Review status: criteria provided, single submitter. Criteria: EGL Classification Definitions 2015. Collection method: clinical testing. Allele origin: germline. Observed: 2 variant alleles, 2 heterozygotes.

Ambry Genetics
Classification: Benign for Cardiovascular phenotype. Last evaluated: 2015-11-24. Review status: criteria provided, single submitter. Criteria: Ambry Variant Classification Scheme 2023. Collection method: clinical testing. Allele origin: germline.

Biesecker Lab/Clinical Genomics Section, National Institutes of Health
Classification: Benign. Last evaluated: 2013-06-24. Review status: criteria provided, single submitter. Criteria: Ng et al. (Circ Cardiovasc Genet. 2013). Collection method: research. Allele origin: unknown. Observed: 7 variant alleles. Study: ClinSeq.
Comment: The study set was not selected for affection status in relation to any cancer. Pathogenicity categories were based on literature curation. See Pubmed ID:23861362 for details.

Medical sequencing

Breakthrough Genomics
Classification: Likely benign. Review status: criteria provided, single submitter. Criteria: ACMG Guidelines, 2015. Collection method: not provided. Allele origin: germline. Inheritance: Autosomal dominant inheritance. Affected: yes.

Clinical Genetics, Academic Medical Center
Classification: Benign. Review status: no assertion criteria provided. Collection method: clinical testing. Allele origin: germline. Affected: yes. Study: VKGL Data-share Consensus. Not counted in ClinVar's aggregate classification.

Diagnostic Laboratory, Department of Genetics, University Medical Center Groningen
Classification: Benign. Review status: no assertion criteria provided. Collection method: clinical testing. Allele origin: germline. Affected: yes. Study: VKGL Data-share Consensus. Not counted in ClinVar's aggregate classification.

Genome Diagnostics Laboratory, University Medical Center Utrecht
Classification: Likely benign. Review status: no assertion criteria provided. Collection method: clinical testing. Allele origin: germline. Affected: yes. Study: VKGL Data-share Consensus. Not counted in ClinVar's aggregate classification.

Joint Genome Diagnostic Labs from Nijmegen and Maastricht, Radboudumc and MUMC+
Classification: Benign. Review status: no assertion criteria provided. Collection method: clinical testing. Allele origin: germline. Affected: yes. Study: VKGL Data-share Consensus. Not counted in ClinVar's aggregate classification.

Literature cited by the submitters: PubMed 25145518 (cited by 3 submitters); PubMed 27711072 (cited by Athena Diagnostics); PubMed 28182231 (cited by Athena Diagnostics); PubMed 25145519 (cited by Athena Diagnostics); PubMed 27659478 (cited by Athena Diagnostics); PubMed 28104484 (cited by Athena Diagnostics and Phosphorus, Inc.); PubMed 27173043 (cited by Athena Diagnostics and Phosphorus, Inc.); PubMed 31481236 (cited by Athena Diagnostics and Mayo Clinic Laboratories, Mayo Clinic); PubMed 28254189 (cited by Athena Diagnostics); PubMed 35125083 (cited by Athena Diagnostics); PubMed 24607718 (cited by Athena Diagnostics); PubMed 30986657 (cited by Athena Diagnostics); PubMed 29588962 (cited by Athena Diagnostics); PubMed 33008772 (cited by Athena Diagnostics); PubMed 32424620 (cited by Athena Diagnostics); PubMed 37760888 (cited by Athena Diagnostics); PubMed 31771441 (cited by Athena Diagnostics); PubMed 35385795 (cited by Athena Diagnostics); PubMed 38723033 (cited by Athena Diagnostics); PubMed 23861362 (cited by Phosphorus, Inc.); PubMed 25642760 (cited by Illumina Laboratory Services, Illumina).